The following is an entry in ClinVar:

ClinVar aggregate classification (germline): Pathogenic. Review status: criteria provided, multiple submitters, no conflicts (2 of 4 stars). 2 submissions from 2 submitters: Pathogenic (2). Last evaluated 2022-08-16.

Conditions:
Familial adenomatous polyposis 1 (FAP1). Also called: POLYPOSIS, ADENOMATOUS INTESTINAL; FAMILIAL ADENOMATOUS POLYPOSIS 1, ATTENUATED. Identifiers: MedGen C2713442, MONDO:0021056, OMIM 175100. Disease mechanism: loss of function.

Submissions (2):

Labcorp Genetics (formerly Invitae), Labcorp
Classification: Pathogenic for Familial adenomatous polyposis 1. Last evaluated: 2022-08-16. Review status: criteria provided, single submitter. Criteria: Invitae Variant Classification Sherloc (09022015). Collection method: clinical testing. Allele origin: germline.
Comment: This variant is expected to disrupt the EB1 and HDLG binding sites, which mediate interactions with the cytoskeleton (PMID: 15311282, 17293347). While functional studies have not been performed to directly test the effect on APC protein function, this suggests that disruption of the C-terminal portion of the protein is functionally important. A different truncation (p.Tyr2645Lysfs*14) that lies downstream of this variant has been determined to be pathogenic (PMID: 9824584, 1316610, 27081525, 8381579, 22135120, Invitae). This suggests that deletion of this region of the APC protein is causative of disease. For these reasons, this variant has been classified as Pathogenic. ClinVar contains an entry for this variant (Variation ID: 802142). This sequence change creates a premature translational stop signal (p.Ala1402Cysfs*7) in the APC gene. While this is not anticipated to result in nonsense mediated decay, it is expected to disrupt the last 1442 amino acid(s) of the APC protein. This variant is not present in population databases (gnomAD no frequency). This variant has not been reported in the literature in individuals affected with APC-related conditions.

Mendelics
Classification: Pathogenic for Familial adenomatous polyposis 1. Last evaluated: 2019-05-28. Review status: criteria provided, single submitter. Criteria: Mendelics Assertion Criteria 2017. Collection method: clinical testing. Allele origin: unknown.

Literature cited by the submitters: PubMed 15311282 (cited by Labcorp Genetics (formerly Invitae), Labcorp); PubMed 17293347 (cited by Labcorp Genetics (formerly Invitae), Labcorp); PubMed 9824584 (cited by Labcorp Genetics (formerly Invitae), Labcorp); PubMed 1316610 (cited by Labcorp Genetics (formerly Invitae), Labcorp); PubMed 27081525 (cited by Labcorp Genetics (formerly Invitae), Labcorp); PubMed 8381579 (cited by Labcorp Genetics (formerly Invitae), Labcorp); PubMed 22135120 (cited by Labcorp Genetics (formerly Invitae), Labcorp).

NM_000038.6(APC):c.4203dup (p.Ala1402fs)

Gene: APC (APC regulator of Wnt signaling pathway; plus strand). Cytogenetic location: 5q22.2.
Variant type: Duplication.
Coding change: c.4203dup on transcript NM_000038.6 (MANE Select); coding-DNA position 4203, one base duplicated (T; older notation c.4203dupT).
Protein change: p.Ala1402fs; shifts the reading frame from alanine 1402.
Molecular consequence: frameshift variant.
Genome position (GRCh38, 1-based): chr5:112,839,797, T duplicated; the last of 2 consecutive T bases (chr5:112,839,796-112,839,797); duplicating either gives the same sequence. VCF-style (leftmost placement, unchanged base first): chr5-112839795-A-AT. GRCh37 (hg19) VCF-style: chr5-112175492-A-AT.
Other names: c.4203dup, p.Ala1402fs (NM_001127510.3, NM_001354895.2); c.4149dup, p.Ala1384fs (NM_001127511.3); c.4257dup, p.Ala1420fs (NM_001354896.2); c.4233dup, p.Ala1412fs (NM_001354897.2); c.4128dup, p.Ala1377fs (NM_001354898.2); c.4119dup, p.Ala1374fs (NM_001354899.2); c.4080dup, p.Ala1361fs (NM_001354900.2); c.4026dup, p.Ala1343fs (NM_001354901.2); and 5 more; short protein forms A1311fs, A1361fs, A1384fs, A1242fs, A1276fs, A1301fs, A1374fs, A1402fs.
Identifiers: ClinVar variation 802142 (VCV000802142.7), dbSNP rs1580645285, ClinGen allele CA915943488.